The following is an entry in ClinVar:

NM_007294.4(BRCA1):c.5513T>C (p.Val1838Ala)

Gene: BRCA1 (BRCA1 DNA repair associated; minus strand). Cytogenetic location: 17q21.31.
Variant type: single nucleotide variant.
Coding change: c.5513T>C on transcript NM_007294.4 (MANE Select); coding-DNA position 5513, T replaced by C.
Protein change: p.Val1838Ala; replaces valine 1838 with alanine.
Molecular consequence: missense variant. On other transcripts: 3 prime UTR variant (1), non-coding transcript variant (1).
Genome position (GRCh38, 1-based): chr17:43,045,757, A>G on the plus strand (T>C on the coding strand, the complement: BRCA1 is on the minus strand). VCF-style: chr17-43045757-A-G. GRCh37 (hg19) VCF-style: chr17-41197774-A-G.
Other names: c.5300T>C, p.Val1767Ala (NM_001407900.1, NM_001407902.1, NM_001407904.1 and 12 more transcripts); c.5249T>C, p.Val1750Ala (NM_001407921.1, NM_001407922.1, NM_001407923.1 and 4 more transcripts); c.5246T>C, p.Val1749Ala (NM_001407927.1, NM_001407928.1, NM_001407929.1 and 4 more transcripts); c.2201T>C, p.Val734Ala (NM_001407981.1, NM_001407982.1, NM_001407983.1 and 11 more transcripts); c.2081T>C, p.Val694Ala (NM_001408425.1, NM_001408426.1, NM_001408427.1 and 4 more transcripts); c.2078T>C, p.Val693Ala (NM_001408432.1, NM_001408433.1, NM_001408434.1 and 10 more transcripts); c.2075T>C, p.Val692Ala (NM_001408445.1, NM_001408446.1, NM_001408447.1 and 2 more transcripts); c.2069T>C, p.Val690Ala (NM_001408451.1); and 74 more; short protein forms V1791A, V1838A, V1859A, V734A, V1748A, V1750A, V1754A, V1768A.
Identifiers: ClinVar variation 864953 (VCV000864953.3), dbSNP rs80357107, ClinGen allele CA10590292.

Conditions:
Breast-ovarian cancer, familial, susceptibility to, 1 (BROVCA1). Also called: BRCA1 Hereditary Breast and Ovarian Cancer; OVARIAN CANCER, SUSCEPTIBILITY TO. Identifiers: Orphanet 145, MedGen C2676676, MONDO:0011450, OMIM 604370. Disease mechanism: loss of function.

Submission:

Brotman Baty Institute, University of Washington
No classification provided (evidence only). Condition: Breast-ovarian cancer, familial 1. Review status: no classification provided. Collection method: in vitro. Allele origin: not applicable. Functional consequence: functionally_normal.
ClinVar note: "not provided" was previously submitted as the classification for the variant. However, the classification appeared to be based only on an observation of functional data so it was converted to no classification on 2025-07-30.